The following is an entry in ClinVar:

ClinVar aggregate classification (germline): Likely benign (0 of 4 stars; one submission).

Conditions:
HNMT-related disorder. Also called: HNMT-related condition.

Allele frequency attached by ClinVar (database versions not stated): gnomAD exomes 0.00005; ExAC 0.00013; ESP Exome Variant Server 0.00038; TOPMed 0.00046; gnomAD 0.00048; 1000 Genomes Project 0.00100; 1000 Genomes Project 30x 0.00109.
gnomAD v4.1: 141 of 1,613,786 alleles (0.0087%); highest among the groups gnomAD compares: African/African-American, 0.18%; 1 homozygote.

Submission:

PreventionGenetics, part of Exact Sciences
Classification: Likely benign for HNMT-related condition. Last evaluated: 2019-04-08. Review status: no assertion criteria provided. Collection method: clinical testing. Allele origin: germline.
Comment: This variant is classified as likely benign based on ACMG/AMP sequence variant interpretation guidelines (Richards et al. 2015 PMID: 25741868, with internal and published modifications).

NM_006895.3(HNMT):c.594T>C (p.Tyr198=)

Gene: HNMT (histamine N-methyltransferase; plus strand). Cytogenetic location: 2q22.1.
Variant type: single nucleotide variant.
Coding change: c.594T>C on transcript NM_006895.3 (MANE Select); coding-DNA position 594, T replaced by C.
Protein change: p.Tyr198=; no amino-acid change (tyrosine 198 retained).
Molecular consequence: synonymous variant.
Genome position (GRCh38, 1-based): chr2:138,013,845, T>C. VCF-style: chr2-138013845-T-C. GRCh37 (hg19) VCF-style: chr2-138771415-T-C.
Identifiers: ClinVar variation 3038800 (VCV003038800.2), dbSNP rs11569725, ClinGen allele CA1891820.